The following is an entry in ClinVar:

NM_182914.3(SYNE2):c.15382T>C (p.Cys5128Arg)

Gene: SYNE2 (spectrin repeat containing nuclear envelope protein 2; plus strand). Cytogenetic location: 14q23.2.
Variant type: single nucleotide variant.
Coding change: c.15382T>C on transcript NM_182914.3 (MANE Select); coding-DNA position 15382, T replaced by C.
Protein change: p.Cys5128Arg; replaces cysteine 5128 with arginine.
Molecular consequence: missense variant.
Genome position (GRCh38, 1-based): chr14:64,143,847, T>C. VCF-style: chr14-64143847-T-C. GRCh37 (hg19) VCF-style: chr14-64610565-T-C.
Other names: c.15382T>C, p.Cys5128Arg (NM_015180.6); short protein forms C5128R.
Identifiers: ClinVar variation 2632492 (VCV002632492.1), dbSNP rs2549394563, ClinGen allele CA389943628.

ClinVar aggregate classification (germline): Uncertain significance (1 of 4 stars; one submission).

Conditions:
SYNE2-related disorder. Also called: SYNE2-related condition.

Submission:

PreventionGenetics, part of Exact Sciences
Classification: Uncertain significance for SYNE2-related condition. Last evaluated: 2023-06-17. Review status: criteria provided, single submitter. Criteria: ACMG Guidelines, 2015. Collection method: clinical testing. Allele origin: germline.
Comment: The SYNE2 c.15382T>C variant is predicted to result in the amino acid substitution p.Cys5128Arg. To our knowledge, this variant has not been reported in the literature or in a large population database, indicating this variant is rare. At this time, the clinical significance of this variant is uncertain due to the absence of conclusive functional and genetic evidence.